The following is an entry in ClinVar:

ClinVar aggregate classification (germline): Pathogenic. Review status: criteria provided, multiple submitters, no conflicts (2 of 4 stars). 2 submissions from 2 submitters: Pathogenic (2). Last evaluated 2026-04-24.

Conditions:
Familial cancer of breast. Also called: BREAST CANCER, FAMILIAL; Hereditary breast cancer; hereditary breast carcinoma. Identifiers: Orphanet 227535, MedGen C0346153, MONDO:0016419, OMIM 114480. Disease mechanism: loss of function.
Hereditary cancer-predisposing syndrome. Also called: Tumor predisposition; Hereditary neoplastic syndrome; Neoplastic Syndromes, Hereditary; Hereditary Cancer Syndrome. Identifiers: Orphanet 140162, MedGen C0027672, MeSH D009386, MONDO:0015356.

Submissions (2):

Ambry Genetics
Classification: Pathogenic for Hereditary cancer-predisposing syndrome. Last evaluated: 2026-04-24. Review status: criteria provided, single submitter. Criteria: Ambry Variant Classification Scheme 2023. Collection method: clinical testing. Allele origin: germline.
Comment: The p.S83* pathogenic mutation (also known as c.248C>G), located in coding exon 3 of the ATM gene, results from a C to G substitution at nucleotide position 248. This changes the amino acid from a serine to a stop codon within coding exon 3. This variant is considered to be rare based on population cohorts in the Genome Aggregation Database (gnomAD). This alteration is expected to result in loss of function by premature protein truncation or nonsense-mediated mRNA decay. As such, this alteration is interpreted as a disease-causing mutation.

Myriad Genetics, Inc.
Classification: Pathogenic for Familial cancer of breast. Last evaluated: 2024-01-08. Review status: criteria provided, single submitter. Criteria: Myriad Autosomal Dominant, Autosomal Recessive and X-Linked Classification Criteria (2023). Collection method: clinical testing. Allele origin: unknown.
Comment: This variant is considered pathogenic. This variant creates a termination codon and is predicted to result in premature protein truncation.

NM_000051.4(ATM):c.248C>G (p.Ser83Ter)

Gene: ATM (ATM serine/threonine kinase; plus strand). Cytogenetic location: 11q22.3.
Variant type: single nucleotide variant.
Coding change: c.248C>G on transcript NM_000051.4 (MANE Select); coding-DNA position 248, C replaced by G.
Protein change: p.Ser83Ter; replaces serine 83 with a stop codon.
Molecular consequence: nonsense.
Genome position (GRCh38, 1-based): chr11:108,229,240, C>G. VCF-style: chr11-108229240-C-G. GRCh37 (hg19) VCF-style: chr11-108099967-C-G.
Other names: c.248C>G, p.Ser83Ter (NM_001351834.2, NM_001351835.2, NM_001351836.2); short protein forms S83*.
Identifiers: ClinVar variation 3148097 (VCV003148097.2), dbSNP rs2135035080, ClinGen allele CA382521554.